The following is an entry in ClinVar:

NM_003718.5(CDK13):c.1532A>T (p.His511Leu)

Gene: CDK13 (cyclin dependent kinase 13; plus strand). Cytogenetic location: 7p14.1.
Variant type: single nucleotide variant.
Coding change: c.1532A>T on transcript NM_003718.5 (MANE Select); coding-DNA position 1532, A replaced by T.
Protein change: p.His511Leu; replaces histidine 511 with leucine.
Molecular consequence: missense variant.
Genome position (GRCh38, 1-based): chr7:39,987,919, A>T. VCF-style: chr7-39987919-A-T. GRCh37 (hg19) VCF-style: chr7-40027518-A-T.
Other names: c.1532A>T, p.His511Leu (NM_031267.4); short protein forms H511L.
Identifiers: ClinVar variation 1313611 (VCV001313611.2), dbSNP rs2116266253, ClinGen allele CA367282737.
Genomic context (GRCh38, chr7:39,987,919, plus strand): 5'-ACACTTCTACACCTACCAAGGGGAACACGGAAACTAGTGCCAGTGCATCACAAACAAACC[A>T]TGTGAAGGATGTGAAGAAAATTAAAATTGAACATGCACCTTCTCCCTCAAGTGGTGGAAC-3'
Protein context (NP_003709.3, residues 501-521): ETSASASQTN[His511Leu]VKDVKKIKIE

ClinVar aggregate classification (germline): Uncertain significance (1 of 4 stars; one submission).

Submission:

GeneDx
Classification: Uncertain significance. Last evaluated: 2020-10-30. Review status: criteria provided, single submitter. Criteria: GeneDx Variant Classification Process June 2021. Collection method: clinical testing. Allele origin: germline. Affected: yes.
Comment: Not observed in large population cohorts (Lek et al., 2016); In silico analysis supports that this missense variant has a deleterious effect on protein structure/function; Has not been previously published as pathogenic or benign to our knowledge